The following is an entry in ClinVar:

ClinVar aggregate classification (germline): Conflicting classifications of pathogenicity. Review status: criteria provided, conflicting classifications (1 of 4 stars). 4 submissions from 4 submitters: Uncertain significance (3); Likely benign (1). Last evaluated 2024-07-10.

Conditions:
Cardiomyopathy (CMYO). Also called: Cardiomyopathies. Identifiers: Orphanet 167848, MedGen C0878544, MONDO:0004994, HP:0001638. Inheritance: Various modes of inheritance.
Cardiovascular phenotype. Identifiers: MedGen CN230736.
Arrhythmogenic right ventricular dysplasia 8 (ARVD8). Also called: Arrhythmogenic Right Ventricular Dysplasia/Cardiomyopathy 8; ARRHYTHMOGENIC RIGHT VENTRICULAR DYSPLASIA, FAMILIAL, 8; ARRHYTHMOGENIC RIGHT VENTRICULAR CARDIOMYOPATHY 8. Identifiers: MedGen C1843896, MONDO:0011831, OMIM 607450.
Arrhythmogenic cardiomyopathy with wooly hair and keratoderma. Also called: PALMOPLANTAR KERATODERMA WITH LEFT VENTRICULAR CARDIOMYOPATHY AND WOOLLY HAIR; Carvajal syndrome; Dilated cardiomyopathy with woolly hair and keratoderma; Arrhythmogenic cardiomyopathy with woolly hair and keratoderma. Identifiers: Orphanet 65282, MedGen C1854063, MONDO:0011581, OMIM 605676.

Allele frequency attached by ClinVar (database versions not stated): gnomAD exomes below 0.00001.
gnomAD v4.1: 5 of 1,613,960 alleles (0.00031%); highest among the groups gnomAD compares: East Asian, 0.0045%; no homozygotes.

Submissions (4):

All of Us Research Program, National Institutes of Health
Classification: Uncertain significance for Arrhythmogenic cardiomyopathy with wooly hair and keratoderma. Last evaluated: 2024-07-10. Review status: criteria provided, single submitter. Criteria: ACMG Guidelines, 2015. Collection method: clinical testing. Allele origin: germline. Inheritance: Autosomal dominant inheritance. Observed: 1 variant allele, 1 heterozygote.
Comment: This missense variant replaces glycine with serine at codon 168 of the DSP protein. Computational prediction suggests that this variant may not impact protein structure and function (internally defined REVEL score threshold <= 0.5, PMID: 27666373). To our knowledge, functional studies have not been reported for this variant. This variant has not been reported in individuals affected with DSP-related disorders in the literature. This variant has been identified in 1/251294 chromosomes in the general population by the Genome Aggregation Database (gnomAD). The available evidence is insufficient to determine the role of this variant in disease conclusively. Therefore, this variant is classified as a Variant of Uncertain Significance.

This study involves interpretation of variants in research participants for the purpose of population health screening. Participant phenotype was not available at the time of variant classification. Additional details can be found in publication PMID: 35346344, PMCID: PMC8962531

Ambry Genetics
Classification: Uncertain significance for Cardiovascular phenotype. Last evaluated: 2024-07-04. Review status: criteria provided, single submitter. Criteria: Ambry Variant Classification Scheme 2023. Collection method: clinical testing. Allele origin: germline.
Comment: The p.G168S variant (also known as c.502G>A), located in coding exon 4 of the DSP gene, results from a G to A substitution at nucleotide position 502. The glycine at codon 168 is replaced by serine, an amino acid with similar properties. This amino acid position is conserved. In addition, the in silico prediction for this alteration is inconclusive. Based on the available evidence, the clinical significance of this variant remains unclear.

Color Diagnostics, LLC DBA Color Health
Classification: Uncertain significance for Cardiomyopathy. Last evaluated: 2024-03-06. Review status: criteria provided, single submitter. Criteria: ACMG Guidelines, 2015. Collection method: clinical testing. Allele origin: germline.
Comment: This missense variant replaces glycine with serine at codon 168 of the DSP protein. Computational prediction suggests that this variant may not impact protein structure and function (internally defined REVEL score threshold <= 0.5, PMID: 27666373). To our knowledge, functional studies have not been reported for this variant. This variant has not been reported in individuals affected with DSP-related disorders in the literature. This variant has been identified in 1/251294 chromosomes in the general population by the Genome Aggregation Database (gnomAD). The available evidence is insufficient to determine the role of this variant in disease conclusively. Therefore, this variant is classified as a Variant of Uncertain Significance.

Labcorp Genetics (formerly Invitae), Labcorp
Classification: Likely benign for Arrhythmogenic cardiomyopathy with wooly hair and keratoderma; Arrhythmogenic right ventricular dysplasia 8. Last evaluated: 2023-05-01. Review status: criteria provided, single submitter. Criteria: Invitae Variant Classification Sherloc (09022015). Collection method: clinical testing. Allele origin: germline.

NM_004415.4(DSP):c.502G>A (p.Gly168Ser)

Gene: DSP (desmoplakin; plus strand). Cytogenetic location: 6p24.3.
Variant type: single nucleotide variant.
Coding change: c.502G>A on transcript NM_004415.4 (MANE Select); coding-DNA position 502, G replaced by A.
Protein change: p.Gly168Ser; replaces glycine 168 with serine.
Molecular consequence: missense variant.
Genome position (GRCh38, 1-based): chr6:7,559,305, G>A. VCF-style: chr6-7559305-G-A. GRCh37 (hg19) VCF-style: chr6-7559538-G-A.
Other names: c.502G>A, p.Gly168Ser (NM_001008844.3, NM_001319034.2); short protein forms G168S.
Identifiers: ClinVar variation 925019 (VCV000925019.11), dbSNP rs1308747530, ClinGen allele CA362672429.